The following is an entry in ClinVar:

NM_000048.4(ASL):c.675C>G (p.Ile225Met)

Gene: ASL (argininosuccinate lyase; plus strand). Cytogenetic location: 7q11.21.
Variant type: single nucleotide variant.
Coding change: c.675C>G on transcript NM_000048.4 (MANE Select); coding-DNA position 675, C replaced by G.
Protein change: p.Ile225Met; replaces isoleucine 225 with methionine.
Molecular consequence: missense variant.
Genome position (GRCh38, 1-based): chr7:66,087,748, C>G. VCF-style: chr7-66087748-C-G. GRCh37 (hg19) VCF-style: chr7-65552735-C-G.
Other names: c.675C>G, p.Ile225Met (NM_001024943.2, NM_001024944.2); c.597C>G, p.Ile199Met (NM_001024946.2); short protein forms I225M, I199M.
Identifiers: ClinVar variation 459921 (VCV000459921.11), dbSNP rs1554327265, ClinGen allele CA367644483.

ClinVar aggregate classification (germline): Likely pathogenic. Review status: criteria provided, single submitter (1 of 4 stars). 2 submissions from 2 submitters: Likely pathogenic (1). 1 of the submissions does not count toward it. Last evaluated 2023-06-17.

Conditions:
Argininosuccinate lyase deficiency. Also called: Argininosuccinic aciduria; ARGININOSUCCINIC ACID LYASE DEFICIENCY; ASL DEFICIENCY. Identifiers: Orphanet 23, MedGen C0268547, MONDO:0008815, OMIM 207900, HP:0025630.

Submissions (2):

Labcorp Genetics (formerly Invitae), Labcorp
Classification: Likely pathogenic for Argininosuccinate lyase deficiency. Last evaluated: 2023-06-17. Review status: criteria provided, single submitter. Criteria: Invitae Variant Classification Sherloc (09022015). Collection method: clinical testing. Allele origin: germline.
Comment: In summary, the currently available evidence indicates that the variant is pathogenic, but additional data are needed to prove that conclusively. Therefore, this variant has been classified as Likely Pathogenic. Advanced modeling of protein sequence and biophysical properties (such as structural, functional, and spatial information, amino acid conservation, physicochemical variation, residue mobility, and thermodynamic stability) performed at Invitae indicates that this missense variant is expected to disrupt ASL protein function. ClinVar contains an entry for this variant (Variation ID: 459921). This missense change has been observed in individual(s) with highly specific biochemical findings suggestive of argininosuccinic aciduria (Invitae). This sequence change replaces isoleucine, which is neutral and non-polar, with methionine, which is neutral and non-polar, at codon 225 of the ASL protein (p.Ile225Met). This variant is not present in population databases (gnomAD no frequency).

Natera, Inc.
Classification: Uncertain significance for Argininosuccinate lyase deficiency. Last evaluated: 2021-05-26. Review status: no assertion criteria provided. Collection method: clinical testing. Allele origin: germline. Not counted in ClinVar's aggregate classification.